The following is an entry in ClinVar:

ClinVar aggregate classification (germline): Benign (1 of 4 stars; one submission).

Conditions:
Holoprosencephaly 11 (HPE11). Identifiers: Orphanet 2162, MedGen C3280215, MONDO:0013642, OMIM 614226.

Allele frequency attached by ClinVar (database versions not stated): 1000 Genomes Project 30x 0.00500; TOPMed 0.00332; 1000 Genomes Project 0.00399.
gnomAD v4.1: 457 of 152,334 alleles (0.3%); highest among the groups gnomAD compares: African/African-American, 1%; 2 homozygotes.

Submission:

Illumina Laboratory Services, Illumina
Classification: Benign for Holoprosencephaly 11. Last evaluated: 2018-01-12. Review status: criteria provided, single submitter. Criteria: ICSL Variant Classification Criteria 13 December 2019. Collection method: clinical testing. Allele origin: germline.
Comment: This variant was observed in the ICSL laboratory as part of a predisposition screen in an ostensibly healthy population. It had not been previously curated by ICSL or reported in the Human Gene Mutation Database (HGMD: prior to June 1st, 2018), and was therefore a candidate for classification through an automated scoring system. Utilizing variant allele frequency, disease prevalence and penetrance estimates, and inheritance mode, an automated score was calculated to assess if this variant is too frequent to cause the disease. Based on the score and internal cut-off values, a variant classified as benign is not then subjected to further curation. The score for this variant resulted in a classification of benign for this disease.

NM_001378964.1(CDON):c.*983A>G

Gene: CDON (cell adhesion associated, oncogene regulated; minus strand). Cytogenetic location: 11q24.2.
Variant type: single nucleotide variant.
Coding change: c.*983A>G on transcript NM_001378964.1 (MANE Select); 983 bases downstream of the stop codon, A replaced by G.
Molecular consequence: 3 prime UTR variant.
Genome position (GRCh38, 1-based): chr11:125,959,959, T>C on the plus strand (A>G on the coding strand, the complement: CDON is on the minus strand). VCF-style: chr11-125959959-T-C. GRCh37 (hg19) VCF-style: chr11-125829854-T-C.
Other names: c.*983A>G (NM_001243597.3, NM_016952.6).
Identifiers: ClinVar variation 303473 (VCV000303473.5), dbSNP rs76724574, ClinGen allele CA10630339.
Genomic context (GRCh38, chr11:125,959,959, plus strand): 5'-CCCATAGTGGCCATTTTATAAATTAATGTAATTTTAAAGCAGTGGGACATGAGGCATTAT[T>C]TGTCTCTCTGGCCTTGGTTCCTTTTCTGCATACTGCCGTAATTCATCAAGACCTTACACT-3'